The following is an entry in ClinVar:

NM_018117.12(WDR11):c.3250C>T (p.Gln1084Ter)

Gene: WDR11 (WD repeat domain 11; plus strand). Cytogenetic location: 10q26.12.
Variant type: single nucleotide variant.
Coding change: c.3250C>T on transcript NM_018117.12 (MANE Select); coding-DNA position 3250, C replaced by T.
Protein change: p.Gln1084Ter; replaces glutamine 1084 with a stop codon.
Molecular consequence: nonsense.
Genome position (GRCh38, 1-based): chr10:120,905,375, C>T. VCF-style: chr10-120905375-C-T. GRCh37 (hg19) VCF-style: chr10-122664887-C-T.
Other names: short protein forms Q1084*.
Identifiers: ClinVar variation 4530770 (VCV004530770.1).

ClinVar aggregate classification (germline): Uncertain significance (1 of 4 stars; one submission).

Submission:

GeneDx
Classification: Uncertain significance. Last evaluated: 2025-05-24. Review status: criteria provided, single submitter. Criteria: GeneDx Variant Classification Process June 2021. Collection method: clinical testing. Allele origin: germline. Affected: yes.
Comment: Not observed at significant frequency in large population cohorts (gnomAD); Nonsense variant predicted to result in protein truncation or nonsense mediated decay in a gene or region of a gene for which loss of function is not a well-established mechanism of disease; Has not been previously published as pathogenic or benign to our knowledge